The following is an entry in ClinVar:

NM_000368.5(TSC1):c.2344C>G (p.Leu782Val)

Gene: TSC1 (TSC complex subunit 1; minus strand). Cytogenetic location: 9q34.13.
Variant type: single nucleotide variant.
Coding change: c.2344C>G on transcript NM_000368.5 (MANE Select); coding-DNA position 2344, C replaced by G.
Protein change: p.Leu782Val; replaces leucine 782 with valine.
Molecular consequence: missense variant. On other transcripts: non-coding transcript variant (5).
Genome position (GRCh38, 1-based): chr9:132,902,652, G>C on the plus strand (C>G on the coding strand, the complement: TSC1 is on the minus strand). VCF-style: chr9-132902652-G-C. GRCh37 (hg19) VCF-style: chr9-135778039-G-C.
Other names: c.2341C>G, p.Leu781Val (NM_001162426.2, NM_001406597.1, NM_001406608.1 and 4 more transcripts); c.2191C>G, p.Leu731Val (NM_001162427.2, NM_001406610.1); c.1981C>G, p.Leu661Val (NM_001362177.2, NM_001406614.1, NM_001406615.1 and 5 more transcripts); c.2344C>G, p.Leu782Val (NM_001406592.1, NM_001406593.1, NM_001406594.1 and 5 more transcripts); c.2188C>G, p.Leu730Val (NM_001406611.1, NM_001406612.1, NM_001406613.1); c.1390C>G, p.Leu464Val (NM_001406627.1, NM_001406628.1); c.1291C>G, p.Leu431Val (NM_001406629.1, NM_001406630.1); c.2329C>G, p.Leu777Val (NM_001406601.1, NM_001406602.1); and 3 more; short protein forms L782V, L731V, L431V, L464V, L661V, L730V, L777V, L660V.
Identifiers: ClinVar variation 2851924 (VCV002851924.4), dbSNP rs2131731296, ClinGen allele CA375359378.

ClinVar aggregate classification (germline): Uncertain significance. Review status: criteria provided, multiple submitters, no conflicts (2 of 4 stars). 2 submissions from 2 submitters: Uncertain significance (2). Last evaluated 2025-02-26.

Conditions:
Hereditary cancer-predisposing syndrome. Also called: Hereditary Cancer Syndrome; Hereditary neoplastic syndrome; Neoplastic Syndromes, Hereditary; Tumor predisposition. Identifiers: Orphanet 140162, MedGen C0027672, MeSH D009386, MONDO:0015356.
Tuberous sclerosis 1 (TSC1). Identifiers: Orphanet 805, MedGen C1854465, MONDO:0008612, OMIM 191100.

Submissions (2):

Ambry Genetics
Classification: Uncertain significance for Hereditary cancer-predisposing syndrome. Last evaluated: 2025-02-26. Review status: criteria provided, single submitter. Criteria: Ambry Variant Classification Scheme 2023. Collection method: clinical testing. Allele origin: germline.
Comment: The p.L782V variant (also known as c.2344C>G), located in coding exon 16 of the TSC1 gene, results from a C to G substitution at nucleotide position 2344. The leucine at codon 782 is replaced by valine, an amino acid with highly similar properties. This amino acid position is conserved. In addition, the in silico prediction for this alteration is inconclusive. Based on the available evidence, the clinical significance of this variant remains unclear.

Labcorp Genetics (formerly Invitae), Labcorp
Classification: Uncertain significance for Tuberous sclerosis 1. Last evaluated: 2023-09-17. Review status: criteria provided, single submitter. Criteria: Invitae Variant Classification Sherloc (09022015). Collection method: clinical testing. Allele origin: germline.
Comment: This sequence change replaces leucine, which is neutral and non-polar, with valine, which is neutral and non-polar, at codon 782 of the TSC1 protein (p.Leu782Val). This variant is not present in population databases (gnomAD no frequency). This variant has not been reported in the literature in individuals affected with TSC1-related conditions. Advanced modeling of protein sequence and biophysical properties (such as structural, functional, and spatial information, amino acid conservation, physicochemical variation, residue mobility, and thermodynamic stability) performed at Invitae indicates that this missense variant is not expected to disrupt TSC1 protein function. In summary, the available evidence is currently insufficient to determine the role of this variant in disease. Therefore, it has been classified as a Variant of Uncertain Significance.